The following is an entry in ClinVar:

ClinVar aggregate classification (germline): Benign/Likely benign. Review status: criteria provided, multiple submitters, no conflicts (2 of 4 stars). 3 submissions from 3 submitters: Benign (1); Likely benign (1). 1 of the submissions does not count toward it. Last evaluated 2026-01-28.

Conditions:
LRRK1-related disorder. Also called: LRRK1-related condition.

Allele frequency attached by ClinVar (database versions not stated): 1000 Genomes Project 30x 0.00109; 1000 Genomes Project 0.00120; TOPMed 0.00431; gnomAD 0.00476 and 0.00515; ExAC 0.00478; gnomAD exomes 0.00490; ESP Exome Variant Server 0.00591.
gnomAD v4.1: 10,989 of 1,614,146 alleles (0.68%); highest among the groups gnomAD compares: Non-Finnish European, 0.84%; 51 homozygotes.

Submissions (3):

Labcorp Genetics (formerly Invitae), Labcorp
Classification: Benign. Last evaluated: 2026-01-28. Review status: criteria provided, single submitter. Criteria: Invitae Variant Classification Sherloc (09022015). Collection method: clinical testing. Allele origin: germline.

CeGaT Center for Human Genetics Tuebingen
Classification: Likely benign. Last evaluated: 2025-11-01. Review status: criteria provided, single submitter. Criteria: CeGaT Center For Human Genetics Tuebingen Variant Classification Criteria Version 2. Collection method: clinical testing. Allele origin: germline. Affected: yes. Observed: 2 variant alleles.
Comment: LRRK1: BP4, BS2

PreventionGenetics, part of Exact Sciences
Classification: Benign for LRRK1-related condition. Last evaluated: 2019-06-05. Review status: no assertion criteria provided. Collection method: clinical testing. Allele origin: germline. Not counted in ClinVar's aggregate classification.
Comment: This variant is classified as benign based on ACMG/AMP sequence variant interpretation guidelines (Richards et al. 2015 PMID: 25741868, with internal and published modifications).

NM_024652.6(LRRK1):c.5548C>T (p.Arg1850Cys)

Genes: LRRK1 (leucine rich repeat kinase 1; plus strand), LRRK1-AS1 (LRRK1 antisense RNA 1; minus strand). Cytogenetic location: 15q26.3.
Variant type: single nucleotide variant.
Coding change: c.5548C>T on transcript NM_024652.6 (MANE Select); coding-DNA position 5548, C replaced by T.
Protein change: p.Arg1850Cys; replaces arginine 1850 with cysteine.
Molecular consequence: missense variant.
Genome position (GRCh38, 1-based): chr15:101,065,985, C>T. VCF-style: chr15-101065985-C-T. GRCh37 (hg19) VCF-style: chr15-101606190-C-T.
Other names: c.5548C>T (NM_024652.5); short protein forms R1850C.
Identifiers: ClinVar variation 720404 (VCV000720404.34), dbSNP rs41525944, ClinGen allele CA7762167.
Genomic context (GRCh38, chr15:101,065,985, plus strand): 5'-ATCCACCAGGAATCACTCACTGACTACTGCTCCATGTCCTCCTACTCCTCATCCCCACCC[C>T]GCCAGGCTGCCAGGTCCCCCTCAAGCCTCCCCAGCTCCCCAGCAAGTTCTTCCAGTGTGC-3'
Protein context (NP_078928.3, residues 1840-1860): SMSSYSSSPP[Arg1850Cys]QAARSPSSLP